The following is an entry in ClinVar:

NM_000238.4(KCNH2):c.1057A>T (p.Thr353Ser)

Gene: KCNH2 (potassium voltage-gated channel subfamily H member 2; minus strand). Cytogenetic location: 7q36.1.
Variant type: single nucleotide variant.
Coding change: c.1057A>T on transcript NM_000238.4 (MANE Select); coding-DNA position 1057, A replaced by T.
Protein change: p.Thr353Ser; replaces threonine 353 with serine.
Molecular consequence: missense variant.
Genome position (GRCh38, 1-based): chr7:150,957,362, T>A on the plus strand (A>T on the coding strand, the complement: KCNH2 is on the minus strand). VCF-style: chr7-150957362-T-A. GRCh37 (hg19) VCF-style: chr7-150654450-T-A.
Other names: c.769A>T, p.Thr257Ser (NM_001406753.1, NM_001406756.1); c.880A>T, p.Thr294Ser (NM_001406755.1); c.757A>T, p.Thr253Ser (NM_001406757.1); c.1057A>T, p.Thr353Ser (NM_172056.3); short protein forms T257S, T294S, T253S, T353S.
Identifiers: ClinVar variation 2145897 (VCV002145897.5), dbSNP rs760372805, ClinGen allele CA026760.
Genomic context (GRCh38, chr7:150,957,362, plus strand): 5'-TCTCAGTGACATTGTGGGTTCGCTCCTTTATCTTAGGTGCTATGATCTCACGGTCACTGG[T>A]GGGCGAAGCCAAGAAGGGGTCGCCCTTGAGGTCCACAAAGTTGAGGGTGATTTGGGGAAT-3'
Protein context (NP_000229.1, residues 343-363): LKGDPFLASP[Thr353Ser]SDREIIAPKI

ClinVar aggregate classification (germline): Uncertain significance. Review status: criteria provided, multiple submitters, no conflicts (2 of 4 stars). 2 submissions from 2 submitters: Uncertain significance (2). Last evaluated 2023-04-28.

Conditions:
Cardiac arrhythmia. Also called: Cardiac rhythm disease; Arrhythmia. Identifiers: MedGen C0003811, MONDO:0007263, HP:0011675.
Long QT syndrome (LQTS). Identifiers: MedGen C0023976, MeSH D008133, MONDO:0002442. Disease mechanism: loss of function. Inheritance: Various modes of inheritance.

Allele frequency attached by ClinVar (database versions not stated): ExAC 0.00001.
gnomAD v4.1: 4 of 1,613,500 alleles (0.00025%); highest among the groups gnomAD compares: South Asian, 0.0044%; no homozygotes.

Submissions (2):

Labcorp Genetics (formerly Invitae), Labcorp
Classification: Uncertain significance for Long QT syndrome. Last evaluated: 2023-04-28. Review status: criteria provided, single submitter. Criteria: Invitae Variant Classification Sherloc (09022015). Collection method: clinical testing. Allele origin: germline.
Comment: ClinVar contains an entry for this variant (Variation ID: 2145897). Algorithms developed to predict the effect of missense changes on protein structure and function output the following: SIFT: "Not Available"; PolyPhen-2: "Benign"; Align-GVGD: "Not Available". The serine amino acid residue is found in multiple mammalian species, which suggests that this missense change does not adversely affect protein function. In summary, the available evidence is currently insufficient to determine the role of this variant in disease. Therefore, it has been classified as a Variant of Uncertain Significance. This missense change has been observed in individual(s) with ventricular tachycardia (PMID: 29396286). This sequence change replaces threonine, which is neutral and polar, with serine, which is neutral and polar, at codon 353 of the KCNH2 protein (p.Thr353Ser). This variant is present in population databases (rs760372805, gnomAD 0.007%).

Color Diagnostics, LLC DBA Color Health
Classification: Uncertain significance for Cardiac arrhythmia. Last evaluated: 2022-01-25. Review status: criteria provided, single submitter. Criteria: ACMG Guidelines, 2015. Collection method: clinical testing. Allele origin: germline.
Comment: This missense variant replaces threonine with serine at codon 353 of the KCNH2 protein. Computational prediction suggests that this variant may not impact protein structure and function (internally defined REVEL score threshold <= 0.5, PMID: 27666373). To our knowledge, functional studies have not been reported for this variant. This variant has been reported in an individual affected with myocardial infarction and ventricular tachycardia (PMID: 29396286). This variant has been identified in 2/248146 chromosomes in the general population by the Genome Aggregation Database (gnomAD). The available evidence is insufficient to determine the role of this variant in disease conclusively. Therefore, this variant is classified as a Variant of Uncertain Significance.

Literature cited by the submitters: PubMed 29396286 (cited by Labcorp Genetics (formerly Invitae), Labcorp and Color Diagnostics, LLC DBA Color Health).